The following is an entry in ClinVar:

NM_032737.4(LMNB2):c.840G>C (p.Gln280His)

Gene: LMNB2 (lamin B2; minus strand). Cytogenetic location: 19p13.3.
Variant type: single nucleotide variant.
Coding change: c.840G>C on transcript NM_032737.4 (MANE Select); coding-DNA position 840, G replaced by C.
Protein change: p.Gln280His; replaces glutamine 280 with histidine.
Molecular consequence: missense variant.
Genome position (GRCh38, 1-based): chr19:2,435,016, C>G on the plus strand (G>C on the coding strand, the complement: LMNB2 is on the minus strand). VCF-style: chr19-2435016-C-G. GRCh37 (hg19) VCF-style: chr19-2435014-C-G.
Other names: short protein forms Q280H.
Identifiers: ClinVar variation 3338998 (VCV003338998.1).
Genomic context (GRCh38, chr19:2,435,016, plus strand): 5'-GGGGTTCCCACCGGCCGCCCCCGCCCACCCGCCTGCCGGCCACACCTTGGCCTGGTAGGT[C>G]TGCTCCAGCTCCAGCTTGTAGAGCCGCACTTGCTCGTCGTGCTGGCTCCGCAGCTCCTCC-3'
Protein context (NP_116126.3, residues 270-290): QVRLYKLELE[Gln280His]TYQAKLDSAK

ClinVar aggregate classification (germline): Uncertain significance (1 of 4 stars; one submission).

gnomAD v4.1: 2 of 1,558,352 alleles (0.00013%); highest among the groups gnomAD compares: African/African-American, 0.0014%; no homozygotes.

Submission:

Women's Health and Genetics/Laboratory Corporation of America, LabCorp
Classification: Uncertain significance. Last evaluated: 2024-07-09. Review status: criteria provided, single submitter. Criteria: LabCorp Variant Classification Summary - May 2015. Collection method: clinical testing. Allele origin: germline.
Comment: Variant summary: LMNB2 c.840G>C (p.Gln280His) results in a non-conservative amino acid change located in the Intermediate filament, rod domain (IPR039008) of the encoded protein sequence. Two of four in-silico tools predict a benign effect of the variant on protein function. The variant allele was found at a frequency of 8.3e-06 in 239606 control chromosomes. The available data on variant occurrences in the general population are insufficient to allow any conclusion about variant significance. To our knowledge, no occurrence of c.840G>C in individuals affected with LMNB2-Related Disorders and no experimental evidence demonstrating its impact on protein function have been reported. No submitters have cited clinical-significance assessments for this variant to ClinVar. Based on the evidence outlined above, the variant was classified as uncertain significance.